The following is an entry in ClinVar:

ClinVar aggregate classification (germline): Uncertain significance (1 of 4 stars; one submission).

Conditions:
Developmental and epileptic encephalopathy, 9 (DEE9). Also called: Early infantile epileptic encephalopathy 9; JUBERG-HELLMAN SYNDROME; PCDH19-Related X-Linked Female-Limited Epilepsy with Mental Retardation; EPILEPSY, FEMALE-RESTRICTED, WITH MENTAL RETARDATION. Identifiers: Orphanet 101039, Orphanet 2076, MedGen C1848137, MONDO:0010246, OMIM 300088. Disease mechanism: loss of function.

Allele frequency attached by ClinVar (database versions not stated): gnomAD exomes 0.00001.

Submission:

Labcorp Genetics (formerly Invitae), Labcorp
Classification: Uncertain significance for Developmental and epileptic encephalopathy, 9. Last evaluated: 2024-11-04. Review status: criteria provided, single submitter. Criteria: Invitae Variant Classification Sherloc (09022015). Collection method: clinical testing. Allele origin: germline.
Comment: This sequence change replaces arginine, which is basic and polar, with histidine, which is basic and polar, at codon 826 of the PCDH19 protein (p.Arg826His). This variant is present in population databases (no rsID available, gnomAD 0.001%). This variant has not been reported in the literature in individuals affected with PCDH19-related conditions. ClinVar contains an entry for this variant (Variation ID: 1019554). Invitae Evidence Modeling of protein sequence and biophysical properties (such as structural, functional, and spatial information, amino acid conservation, physicochemical variation, residue mobility, and thermodynamic stability) indicates that this missense variant is not expected to disrupt PCDH19 protein function with a negative predictive value of 95%. In summary, the available evidence is currently insufficient to determine the role of this variant in disease. Therefore, it has been classified as a Variant of Uncertain Significance.

NM_001184880.2(PCDH19):c.2477G>A (p.Arg826His)

Genes: PCDH19 (protocadherin 19; minus strand), LOC125467768 (CDK7 strongly-dependent group 2 enhancer GRCh37_chrX:99657381-99658580; plus strand). Cytogenetic location: Xq22.1.
Variant type: single nucleotide variant.
Coding change: c.2477G>A on transcript NM_001184880.2 (MANE Select); coding-DNA position 2477, G replaced by A.
Protein change: p.Arg826His; replaces arginine 826 with histidine.
Molecular consequence: missense variant.
Genome position (GRCh38, 1-based): chrX:100,402,663, C>T on the plus strand (G>A on the coding strand, the complement: PCDH19 is on the minus strand). VCF-style: chrX-100402663-C-T. GRCh37 (hg19) VCF-style: chrX-99657661-C-T.
Other names: c.2336G>A, p.Arg779His (NM_001105243.2, NM_020766.3); short protein forms R779H, R826H.
Identifiers: ClinVar variation 1019554 (VCV001019554.6), dbSNP rs1490663128, ClinGen allele CA414005707.